The following is an entry in ClinVar:

NM_001848.3(COL6A1):c.1056+2T>A

Gene: COL6A1 (collagen type VI alpha 1 chain; plus strand). Cytogenetic location: 21q22.3.
Variant type: single nucleotide variant.
Coding change: c.1056+2T>A on transcript NM_001848.3 (MANE Select); the canonical splice donor site of the intron after coding-DNA position 1056, T replaced by A.
Molecular consequence: splice donor variant.
Genome position (GRCh38, 1-based): chr21:45,990,828, T>A. VCF-style: chr21-45990828-T-A. GRCh37 (hg19) VCF-style: chr21-47410742-T-A.
Identifiers: ClinVar variation 1982410 (VCV001982410.4), dbSNP rs797044456, ClinGen allele CA410523518.
Genomic context (GRCh38, chr21:45,990,828, plus strand): 5'-TCCAGGGGGAGATGGGGTACCCAGGCCTGCCAGGCTGCAAGGGCTCGCCCGGGTTTGACG[T>A]AAGTCACTTCCTCTCACTGATACTTTAAAACTAGCGCTGTCAGCAGCACCTCGTGTGGAC-3'

ClinVar aggregate classification (germline): Pathogenic/Likely pathogenic. Review status: criteria provided, multiple submitters, no conflicts (2 of 4 stars). 2 submissions from 2 submitters: Pathogenic (1); Likely pathogenic (1). Last evaluated 2022-04-05.

Conditions:
Bethlem myopathy 1A. Also called: MYOPATHY, BENIGN CONGENITAL, WITH CONTRACTURES; Bethlem myopathy 1; Bethlem Muscular Dystrophy. Identifiers: Orphanet 610, MedGen CN029274, MONDO:0024530, OMIM 158810.

Submissions (2):

Labcorp Genetics (formerly Invitae), Labcorp
Classification: Pathogenic for Bethlem myopathy 1A. Last evaluated: 2022-04-05. Review status: criteria provided, single submitter. Criteria: Invitae Variant Classification Sherloc (09022015). Collection method: clinical testing. Allele origin: germline.
Comment: For these reasons, this variant has been classified as Pathogenic. Studies have shown that disruption of this splice site results in skipping of exon 14, but is expected to preserve the integrity of the reading-frame (PMID: 10329467). Disruption of this splice site has been observed in individuals with autosomal dominant Bethlem myopathy (PMID: 10329467, 25749816). It has also been observed to segregate with disease in related individuals. This variant is not present in population databases (gnomAD no frequency). This sequence change affects a donor splice site in intron 14 of the COL6A1 gene. RNA analysis indicates that disruption of this splice site induces altered splicing and likely results in a shortened protein product.

Neuberg Centre For Genomic Medicine, NCGM
Classification: Likely pathogenic for Bethlem myopathy 1A. Review status: criteria provided, single submitter. Criteria: ACMG Guidelines, 2015. Collection method: clinical testing. Allele origin: germline. Inheritance: Autosomal dominant inheritance. Affected: yes.
Comment: The splice site c.1056+2T>A variant has not been reported previously as a pathogenic variant nor as a benign variant, to our knowledge. Another variant affecting the +1 nucleotide (c.1056+1 G>A) in the same region has been reported previously with Bethlem Myopathy (Lucioli et al., 2005). The variant is novel (not in any individuals) in gnomAD Exomes and 1000 Genomes. The nucleotide change in COL6A1 is predicted as conserved by GERP++ and PhyloP across 100 vertebrates. For these reasons, this variant has been classified as Likely Pathogenic.

Literature cited by the submitters: PubMed 10329467 (cited by Labcorp Genetics (formerly Invitae), Labcorp); PubMed 25749816 (cited by Labcorp Genetics (formerly Invitae), Labcorp).